The following is an entry in ClinVar:

NM_000368.5(TSC1):c.1960C>G (p.Gln654Glu)

Gene: TSC1 (TSC complex subunit 1; minus strand). Cytogenetic location: 9q34.13.
Variant type: single nucleotide variant.
Coding change: c.1960C>G on transcript NM_000368.5 (MANE Select); coding-DNA position 1960, C replaced by G.
Protein change: p.Gln654Glu; replaces glutamine 654 with glutamic acid.
Molecular consequence: missense variant.
Genome position (GRCh38, 1-based): chr9:132,905,618, G>C on the plus strand (C>G on the coding strand, the complement: TSC1 is on the minus strand). VCF-style: chr9-132905618-G-C. GRCh37 (hg19) VCF-style: chr9-135781005-G-C.
Other names: p.GLN654Glu; p.Q654E:CAG>GAG; c.1957C>G, p.Gln653Glu (NM_001162426.2); c.1807C>G, p.Gln603Glu (NM_001162427.2); c.1597C>G, p.Gln533Glu (NM_001362177.2); short protein forms Q654E, Q603E, Q653E, Q533E.
Identifiers: ClinVar variation 41692 (VCV000041692.61), dbSNP rs75820036, ClinGen allele CA005650.

ClinVar aggregate classification (germline): Conflicting classifications of pathogenicity. Review status: criteria provided, conflicting classifications (1 of 4 stars). 20 submissions from 20 submitters: Uncertain significance (1); Benign (14); Likely benign (3). 2 of the submissions do not count toward it. Last evaluated 2026-02-03.

Conditions:
Hereditary cancer-predisposing syndrome. Also called: Tumor predisposition; Neoplastic Syndromes, Hereditary; Hereditary Cancer Syndrome; Hereditary neoplastic syndrome. Identifiers: Orphanet 140162, MedGen C0027672, MeSH D009386, MONDO:0015356.
Tuberous sclerosis syndrome (TSC). Also called: Tuberous Sclerosis Complex; Tuberous sclerosis. Identifiers: Orphanet 805, MedGen C0041341, MONDO:0001734.
Tuberous sclerosis 1 (TSC1). Identifiers: Orphanet 805, MedGen C1854465, MONDO:0008612, OMIM 191100.

Allele frequency attached by ClinVar (database versions not stated): gnomAD 0.00029 and 0.00040; TOPMed 0.00039; ExAC 0.00082; gnomAD exomes 0.00085; 1000 Genomes Project 0.00200; 1000 Genomes Project 30x 0.00234.

Submissions (20):

Labcorp Genetics (formerly Invitae), Labcorp
Classification: Benign for Tuberous sclerosis 1. Last evaluated: 2026-02-03. Review status: criteria provided, single submitter. Criteria: Invitae Variant Classification Sherloc (09022015). Collection method: clinical testing. Allele origin: germline.

CeGaT Center for Human Genetics Tuebingen
Classification: Likely benign. Last evaluated: 2025-06-01. Review status: criteria provided, single submitter. Criteria: CeGaT Center For Human Genetics Tuebingen Variant Classification Criteria Version 2. Collection method: clinical testing. Allele origin: germline. Affected: yes. Observed: 3 variant alleles.
Comment: TSC1: BP4, BS1

Blueprint Genetics
Classification: Benign. Last evaluated: 2024-11-22. Review status: criteria provided, single submitter. Criteria: ACMG Guidelines, 2015. Collection method: clinical testing. Allele origin: germline.

Myriad Genetics, Inc.
Classification: Benign for Tuberous sclerosis 1. Last evaluated: 2024-09-05. Review status: criteria provided, single submitter. Criteria: Myriad Autosomal Dominant, Autosomal Recessive and X-Linked Classification Criteria (2023). Collection method: clinical testing. Allele origin: unknown.
Comment: This variant is considered benign. Homozygosity has been confirmed in one or more individuals. As homozygosity for pathogenic variants in this gene is generally assumed to result in embryonic lethality, this variant is unlikely to be pathogenic. This variant has been observed at a population frequency that is significantly greater than expected given the associated disease prevalence and penetrance.

Color Diagnostics, LLC DBA Color Health
Classification: Benign for Tuberous sclerosis syndrome. Last evaluated: 2022-11-07. Review status: criteria provided, single submitter. Criteria: ACMG Guidelines, 2015. Collection method: clinical testing. Allele origin: germline.

Mayo Clinic Laboratories, Mayo Clinic
Classification: Benign. Last evaluated: 2022-07-07. Review status: criteria provided, single submitter. Criteria: ACMG Guidelines, 2015. Collection method: clinical testing. Allele origin: germline. Observed: 4 variant alleles.

Genome-Nilou Lab
Classification: Benign for Tuberous sclerosis 1. Last evaluated: 2021-11-07. Review status: criteria provided, single submitter. Criteria: ACMG Guidelines, 2015. Collection method: clinical testing. Allele origin: germline. Affected: no.

Sema4
Classification: Benign for Hereditary cancer-predisposing syndrome. Last evaluated: 2020-04-28. Review status: criteria provided, single submitter. Criteria: Sema4 Curation Guidelines. Collection method: curation. Allele origin: germline.

Mendelics
Classification: Benign for Tuberous sclerosis 1. Last evaluated: 2019-05-28. Review status: criteria provided, single submitter. Criteria: Mendelics Assertion Criteria 2017. Collection method: clinical testing. Allele origin: unknown.

Athena Diagnostics
Classification: Benign. Last evaluated: 2019-02-04. Review status: criteria provided, single submitter. Criteria: Athena Diagnostics Criteria. Collection method: clinical testing. Allele origin: germline.

Quest Diagnostics Nichols Institute San Juan Capistrano
Classification: Benign. Last evaluated: 2019-02-04. Review status: criteria provided, single submitter. Criteria: Quest Diagnostics criteria. Collection method: clinical testing. Allele origin: unknown.

GeneDx
Classification: Benign. Last evaluated: 2018-11-15. Review status: criteria provided, single submitter. Criteria: GeneDx Variant Classification Process June 2021. Collection method: clinical testing. Allele origin: germline. Affected: yes.
Comment: This variant is associated with the following publications: (PMID: 25498131, 22703879, 10570911, 26332594, 16981987, 16554133, 22490766, 29740858, 30794603, 32211034)

Center for Human Genetics, Inc
Classification: Likely benign for Tuberous sclerosis 1. Last evaluated: 2016-11-01. Review status: criteria provided, single submitter. Criteria: ACMG Guidelines, 2015. Collection method: clinical testing. Allele origin: germline. Affected: yes.

Laboratory for Molecular Medicine, Mass General Brigham Personalized Medicine
Classification: Benign. Last evaluated: 2016-04-25. Review status: criteria provided, single submitter. Criteria: LMM Criteria. Collection method: clinical testing. Allele origin: germline.
Comment: Variant identified in a genome or exome case(s) and assessed due to predicted null impact of the variant or pathogenic assertions in the literature or databases. Disclaimer: This variant has not undergone full assessment. The following are preliminary notes: ExAC: 1.1% (95/8654) East Asian; ClinVar: 1B, 1 LB

Soonchunhyang University Bucheon Hospital, Soonchunhyang University Medical Center
Classification: Uncertain significance for Tuberous sclerosis 1. Last evaluated: 2016-03-18. Review status: criteria provided, single submitter. Criteria: ACMG Guidelines, 2015. Collection method: reference population. Allele origin: germline. Observed: 3 variant alleles.

Ambry Genetics
Classification: Benign for Hereditary cancer-predisposing syndrome. Last evaluated: 2015-08-21. Review status: criteria provided, single submitter. Criteria: Ambry Variant Classification Scheme 2023. Collection method: clinical testing. Allele origin: germline.

Eurofins Ntd Llc (ga)
Classification: Likely benign. Last evaluated: 2015-08-20. Review status: criteria provided, single submitter. Criteria: EGL Classification Definitions 2015. Collection method: clinical testing. Allele origin: germline. Observed: 1 variant allele, 1 heterozygote.

PreventionGenetics, part of Exact Sciences
Classification: Benign. Review status: criteria provided, single submitter. Criteria: ACMG Guidelines, 2015. Collection method: clinical testing. Allele origin: germline.

Biesecker Lab/Clinical Genomics Section, National Institutes of Health
Classification: Likely benign. Last evaluated: 2012-07-13. Review status: no assertion criteria provided. Collection method: research. Allele origin: germline. Affected: no. Observed: 1 variant allele. Study: ClinSeq. Not counted in ClinVar's aggregate classification.
ClinVar note: Converted during submission from probably not pathogenic to Likely benign.

Tuberous sclerosis database (TSC1)
No classification provided. Condition: TSC. Review status: no classification provided. Criteria: Tuberous Sclerosis Database Assertion Criteria 2015. Collection method: curation. Allele origin: germline. Affected: yes. Not counted in ClinVar's aggregate classification.

Literature cited by the submitters: PubMed 26332594 (cited by Athena Diagnostics and Quest Diagnostics Nichols Institute San Juan Capistrano); PubMed 25498131 (cited by Athena Diagnostics and Quest Diagnostics Nichols Institute San Juan Capistrano); PubMed 24789117 (cited by 3 submitters); PubMed 22490766 (cited by 3 submitters); PubMed 22558107 (cited by Athena Diagnostics and Quest Diagnostics Nichols Institute San Juan Capistrano); PubMed 14642745 (cited by Athena Diagnostics and Quest Diagnostics Nichols Institute San Juan Capistrano); PubMed 27600092 (cited by Athena Diagnostics and Quest Diagnostics Nichols Institute San Juan Capistrano); PubMed 29458892 (cited by Athena Diagnostics and Quest Diagnostics Nichols Institute San Juan Capistrano); PubMed 29740858 (cited by Athena Diagnostics and Quest Diagnostics Nichols Institute San Juan Capistrano); PubMed 10570911 (cited by 4 submitters); PubMed 12015165 (cited by Athena Diagnostics and Quest Diagnostics Nichols Institute San Juan Capistrano); PubMed 14756965 (cited by Athena Diagnostics and Quest Diagnostics Nichols Institute San Juan Capistrano); PubMed 16554133 (cited by 3 submitters); PubMed 16981987 (cited by 3 submitters); PubMed 19254590 (cited by Athena Diagnostics and Quest Diagnostics Nichols Institute San Juan Capistrano); PubMed 23389244 (cited by Quest Diagnostics Nichols Institute San Juan Capistrano); PubMed 9242607 (cited by Quest Diagnostics Nichols Institute San Juan Capistrano); PubMed 30794603 (cited by Quest Diagnostics Nichols Institute San Juan Capistrano); PubMed 32211034 (cited by Quest Diagnostics Nichols Institute San Juan Capistrano); PubMed 32917966 (cited by Quest Diagnostics Nichols Institute San Juan Capistrano); PubMed 31927531 (cited by Quest Diagnostics Nichols Institute San Juan Capistrano); PubMed 23514105 (cited by Quest Diagnostics Nichols Institute San Juan Capistrano); PubMed 21811971 (cited by Quest Diagnostics Nichols Institute San Juan Capistrano).